The following is an entry in ClinVar:

ClinVar aggregate classification (germline): Conflicting classifications of pathogenicity. Review status: criteria provided, conflicting classifications (1 of 4 stars). 4 submissions from 4 submitters: Likely pathogenic (1); Uncertain significance (2). 1 of the submissions does not count toward it. Last evaluated 2025-12-23.

Conditions:
Hereditary cancer-predisposing syndrome. Also called: Neoplastic Syndromes, Hereditary; Tumor predisposition; Hereditary Cancer Syndrome; Hereditary neoplastic syndrome. Identifiers: Orphanet 140162, MedGen C0027672, MeSH D009386, MONDO:0015356.
Hereditary nonpolyposis colorectal neoplasms. Identifiers: MedGen C0009405, MeSH D003123.
Lynch syndrome 4 (LYNCH4). Also called: Hereditary non-polyposis colorectal cancer, type 4; Colorectal cancer, hereditary nonpolyposis, type 4. Identifiers: Orphanet 144, MedGen C1838333, MONDO:0013699, OMIM 614337. Disease mechanism: loss of function.

Submissions (4):

Labcorp Genetics (formerly Invitae), Labcorp
Classification: Uncertain significance for Hereditary nonpolyposis colorectal neoplasms. Last evaluated: 2025-12-23. Review status: criteria provided, single submitter. Criteria: Invitae Variant Classification Sherloc (09022015). Collection method: clinical testing. Allele origin: germline.
Comment: This sequence change falls in intron 3 of the PMS2 gene. It does not directly change the encoded amino acid sequence of the PMS2 protein. RNA analysis indicates that this variant induces altered splicing and may result in an absent or altered protein product. This variant is present in population databases (no rsID available, gnomAD 0.003%). This variant has not been reported in the literature in individuals affected with PMS2-related conditions. Studies have shown that this variant results in skipping of exon 4, and produces a non-functional protein and/or introduces a premature termination codon (internal data). In summary, the available evidence is currently insufficient to determine the role of this variant in disease. Therefore, it has been classified as a Variant of Uncertain Significance.

Ambry Genetics
Classification: Likely pathogenic for Hereditary cancer-predisposing syndrome. Last evaluated: 2025-12-18. Review status: criteria provided, single submitter. Criteria: Ambry Variant Classification Scheme 2023. Collection method: clinical testing. Allele origin: germline.
Comment: The c.251-7_251-6delCT intronic variant begins 6 nucleotides before coding exon 4 in the PMS2 gene. This variant results from a deletion of 2 nucleotides at positions c.251-6 to c.251-7. In silico splice site analysis predicts that this alteration may weaken the native splice acceptor site. RNA studies have demonstrated that this alteration results in abnormal splicing in the set of samples tested (Ambry internal data). Based on the majority of available evidence to date, this variant is likely to be pathogenic.

Myriad Genetics, Inc.
Classification: Uncertain significance for Lynch syndrome 4. Last evaluated: 2025-01-24. Review status: criteria provided, single submitter. Criteria: Myriad Autosomal Dominant, Autosomal Recessive and X-Linked Classification Criteria (2023). Collection method: clinical testing. Allele origin: unknown.
Comment: This variant is classified as a variant of uncertain significance as there is insufficient evidence to determine its impact on protein function and/or cancer risk.

Genetic Services Laboratory, University of Chicago
Classification: Uncertain significance. Last evaluated: 2022-02-15. Review status: no assertion criteria provided. Collection method: clinical testing. Allele origin: germline. Affected: no. Not counted in ClinVar's aggregate classification.
Comment: DNA sequence analysis of the PMS2 gene demonstrated a two base pair deletion in intron 3, c.251-7_251-6del. This change does not appear to have been previously described in individuals with PMS2-related disorders. This sequence change has been described in the gnomAD database in one individual which corresponds to a global population frequency of 0.00041% (dbSNP rs1453148905). In-silico splice prediction programs provide inconclusive results for this sequence change and the consequence of this change is not predictable. The functional significance of this sequence change is not known at present and its contribution to this individual's disease phenotype cannot definitively be determined.

NM_000535.7(PMS2):c.251-11CT[2]

Gene: PMS2 (PMS1 homolog 2, mismatch repair system component; minus strand). Cytogenetic location: 7p22.1.
Variant type: Microsatellite.
Coding change: c.251-11CT[2] on transcript NM_000535.7 (MANE Select); two copies in a row of the 2-base unit CT starting at c.251-11; the reference has three copies in a row; one copy, 2 bases deleted.
Molecular consequence: intron variant. On other transcripts: frameshift variant (1).
Genome position (GRCh38, 1-based): chr7:6,003,798-6,003,799, AG deleted on the plus strand (CT on the coding strand, the reverse complement: PMS2 is on the minus strand); deleting any 2 consecutive bases within chr7:6,003,798-6,003,803 gives the same sequence; the position shown is the placement nearest the transcript's 3' end. VCF-style (leftmost placement, unchanged base first): chr7-6003797-AAG-A. GRCh37 (hg19) VCF-style: chr7-6043428-AAG-A.
Other names: c.251-7_251-6del (NM_000535.6); c.264_265CT[2], p.Leu90Phefs (NM_001406868.1); c.35+169CT[2] (NM_001322008.2, NM_001322007.2); c.-155-11CT[2] (NM_001322010.2, NM_001322004.2, NM_001322013.2 and 3 more transcripts); c.-634-11CT[2] (NM_001322012.2, NM_001322011.2); c.-234-11CT[2] (NM_001322015.2); c.251-11CT[2] (NM_001322006.2, NM_001322014.2); c.251-7_251-6delCT (NM_000535.5).
Identifiers: ClinVar variation 2061741 (VCV002061741.11), dbSNP rs1453148905, ClinGen allele CA572549173.
Genomic context (GRCh38, chr7:6,003,797, plus strand): 5'-TTCAACCTGAGTTAGGTCGGCAAACTCTTGAATCTTAGATGTGTGATGTTTCAGAGCTGA[AAG>A]AGAGTGTAAAGTAAGGACTAAGATATCTCAAGTGCTATAACAACAAAATATACATGATAT-3'